The following is an entry in ClinVar:

ClinVar aggregate classification (germline): Likely benign. Review status: criteria provided, multiple submitters, no conflicts (2 of 4 stars). 7 submissions from 7 submitters: Likely benign (7). Last evaluated 2026-09-22.

Conditions:
COL5A1-related disorder. Also called: COL5A1-related condition.
Ehlers-Danlos syndrome, classic type, 1 (EDSCL1). Also called: Ehlers-Danlos syndrome, type 1; EHLERS-DANLOS SYNDROME, GRAVIS TYPE; EHLERS-DANLOS SYNDROME, SEVERE CLASSIC TYPE; EDS I; Ehlers-Danlos Syndrome, Classic Type, COL5A1-Related. Identifiers: MedGen C0268335, MONDO:0019567, OMIM 130000.
Familial thoracic aortic aneurysm and aortic dissection (TAAD). Also called: Thoracic aortic aneurysms and dissections. Identifiers: Orphanet 91387, MedGen C4707243, MONDO:0019625.

Allele frequency attached by ClinVar (database versions not stated): ExAC 0.00001; gnomAD 0.00001; gnomAD exomes 0.00001 and 0.00002; TOPMed 0.00001; ESP Exome Variant Server 0.00008.
gnomAD v4.1: 27 of 1,613,946 alleles (0.0017%); highest among the groups gnomAD compares: Non-Finnish European, 0.0021%; no homozygotes.

Submissions (7):

PreventionGenetics, part of Exact Sciences
Classification: Likely benign for COL5A1-related condition. Last evaluated: 2026-09-22. Review status: criteria provided, single submitter. Criteria: ACMG Guidelines, 2015. Collection method: clinical testing. Allele origin: germline.
Comment: This variant is classified as likely benign based on ACMG/AMP sequence variant interpretation guidelines (Richards et al. 2015 PMID: 25741868, with internal and published modifications).

Women's Health and Genetics/Laboratory Corporation of America, LabCorp
Classification: Likely benign. Last evaluated: 2026-04-03. Review status: criteria provided, single submitter. Criteria: LabCorp Variant Classification Summary - May 2015. Collection method: clinical testing. Allele origin: germline.

Labcorp Genetics (formerly Invitae), Labcorp
Classification: Likely benign for Ehlers-Danlos syndrome, classic type, 1. Last evaluated: 2025-12-22. Review status: criteria provided, single submitter. Criteria: Invitae Variant Classification Sherloc (09022015). Collection method: clinical testing. Allele origin: germline.

Blueprint Genetics
Classification: Likely benign. Last evaluated: 2024-07-08. Review status: criteria provided, single submitter. Criteria: ACMG Guidelines, 2015. Collection method: clinical testing. Allele origin: germline.

ARUP Laboratories, Molecular Genetics and Genomics, ARUP Laboratories
Classification: Likely benign. Last evaluated: 2021-10-08. Review status: criteria provided, single submitter. Criteria: ARUP Molecular Germline Variant Investigation Process 2021. Collection method: clinical testing. Allele origin: germline.

GeneDx
Classification: Likely benign. Last evaluated: 2018-01-30. Review status: criteria provided, single submitter. Criteria: GeneDx Variant Classification (06012015). Collection method: clinical testing. Allele origin: germline. Affected: yes.
Comment: This variant is considered likely benign or benign based on one or more of the following criteria: it is a conservative change, it occurs at a poorly conserved position in the protein, it is predicted to be benign by multiple in silico algorithms, and/or has population frequency not consistent with disease.

Ambry Genetics
Classification: Likely benign for Familial thoracic aortic aneurysm and aortic dissection. Last evaluated: 2015-05-22. Review status: criteria provided, single submitter. Criteria: Ambry Variant Classification Scheme 2023. Collection method: clinical testing. Allele origin: germline.

NM_000093.5(COL5A1):c.2238C>T (p.Pro746=)

Gene: COL5A1 (collagen type V alpha 1 chain; plus strand). Cytogenetic location: 9q34.3.
Variant type: single nucleotide variant.
Coding change: c.2238C>T on transcript NM_000093.5 (MANE Select); coding-DNA position 2238, C replaced by T.
Protein change: p.Pro746=; no amino-acid change (proline 746 retained).
Molecular consequence: synonymous variant.
Genome position (GRCh38, 1-based): chr9:134,768,415, C>T. VCF-style: chr9-134768415-C-T. GRCh37 (hg19) VCF-style: chr9-137660261-C-T.
Other names: c.2238C>T (NM_000093.4); c.2238C>T, p.Pro746= (NM_001278074.1).
Identifiers: ClinVar variation 264028 (VCV000264028.23), dbSNP rs373617798, ClinGen allele CA5319241.